The following is an entry in ClinVar:

ClinVar aggregate classification (germline): Uncertain significance (1 of 4 stars; one submission).

Conditions:
Hypoplastic left heart syndrome. Also called: Hypoplastic left heart; Hypoplastic left ventricle. Identifiers: Orphanet 2248, MedGen C0152101, MONDO:0004933, HP:0004383.

Submission:

Labcorp Genetics (formerly Invitae), Labcorp
Classification: Uncertain significance for Hypoplastic left heart syndrome. Last evaluated: 2022-02-19. Review status: criteria provided, single submitter. Criteria: Invitae Variant Classification Sherloc (09022015). Collection method: clinical testing. Allele origin: germline.
Comment: In summary, the available evidence is currently insufficient to determine the role of this variant in disease. Therefore, it has been classified as a Variant of Uncertain Significance. Algorithms developed to predict the effect of missense changes on protein structure and function are either unavailable or do not agree on the potential impact of this missense change (SIFT: "Deleterious"; PolyPhen-2: "Probably Damaging"; Align-GVGD: "Class C0"). This variant has not been reported in the literature in individuals affected with HAND1-related conditions. This variant is not present in population databases (gnomAD no frequency). This sequence change replaces arginine, which is basic and polar, with tryptophan, which is neutral and slightly polar, at codon 179 of the HAND1 protein (p.Arg179Trp).

NM_004821.3(HAND1):c.535A>T (p.Arg179Trp)

Gene: HAND1 (heart and neural crest derivatives expressed 1; minus strand). Cytogenetic location: 5q33.2.
Variant type: single nucleotide variant.
Coding change: c.535A>T on transcript NM_004821.3 (MANE Select); coding-DNA position 535, A replaced by T.
Protein change: p.Arg179Trp; replaces arginine 179 with tryptophan.
Molecular consequence: missense variant.
Genome position (GRCh38, 1-based): chr5:154,477,474, T>A on the plus strand (A>T on the coding strand, the complement: HAND1 is on the minus strand). VCF-style: chr5-154477474-T-A. GRCh37 (hg19) VCF-style: chr5-153857034-T-A.
Other names: short protein forms R179W.
Identifiers: ClinVar variation 2099273 (VCV002099273.4), dbSNP rs2532476717, ClinGen allele CA361921434.